The following is an entry in ClinVar:

NM_003922.4(HERC1):c.731G>A (p.Arg244His)

Gene: HERC1 (HECT and RLD domain containing E3 ubiquitin protein ligase family member 1; minus strand). Cytogenetic location: 15q22.31.
Variant type: single nucleotide variant.
Coding change: c.731G>A on transcript NM_003922.4 (MANE Select); coding-DNA position 731, G replaced by A.
Protein change: p.Arg244His; replaces arginine 244 with histidine.
Molecular consequence: missense variant.
Genome position (GRCh38, 1-based): chr15:63,774,893, C>T on the plus strand (G>A on the coding strand, the complement: HERC1 is on the minus strand). VCF-style: chr15-63774893-C-T. GRCh37 (hg19) VCF-style: chr15-64067092-C-T.
Other names: short protein forms R244H.
Identifiers: ClinVar variation 2793017 (VCV002793017.3), dbSNP rs369326772, ClinGen allele CA7606614.
Genomic context (GRCh38, chr15:63,774,893, plus strand): 5'-AGATATCGCAATGAGCCTCGTTGAGCTGCCAAACCAAGCAGCAACTCAGAAGCTAATCTA[C>T]GACCTAAAGTGTCTGCCCCAGAATTAGGAATAGTGACTCCTTTAAGAAATGTTGTTACTT-3'
Protein context (NP_003913.3, residues 234-254): IPNSGADTLG[Arg244His]RLASELLLGL

ClinVar aggregate classification (germline): Uncertain significance (1 of 4 stars; one submission).

Allele frequency attached by ClinVar (database versions not stated): gnomAD 0.00001; TOPMed 0.00001; ESP Exome Variant Server 0.00008; gnomAD exomes 0.00001; ExAC 0.00002.
gnomAD v4.1: 10 of 1,613,860 alleles (0.00062%); highest among the groups gnomAD compares: Non-Finnish European, 0.00076%; no homozygotes.

Submission:

Labcorp Genetics (formerly Invitae), Labcorp
Classification: Uncertain significance. Last evaluated: 2025-02-24. Review status: criteria provided, single submitter. Criteria: Invitae Variant Classification Sherloc (09022015). Collection method: clinical testing. Allele origin: germline.
Comment: This sequence change replaces arginine, which is basic and polar, with histidine, which is basic and polar, at codon 244 of the HERC1 protein (p.Arg244His). This variant is present in population databases (rs369326772, gnomAD 0.0009%). This variant has not been reported in the literature in individuals affected with HERC1-related conditions. ClinVar contains an entry for this variant (Variation ID: 2793017). Invitae Evidence Modeling of protein sequence and biophysical properties (such as structural, functional, and spatial information, amino acid conservation, physicochemical variation, residue mobility, and thermodynamic stability) indicates that this missense variant is not expected to disrupt HERC1 protein function with a negative predictive value of 80%. In summary, the available evidence is currently insufficient to determine the role of this variant in disease. Therefore, it has been classified as a Variant of Uncertain Significance.